The following is an entry in ClinVar:

NM_000238.4(KCNH2):c.758C>G (p.Ala253Gly)

Gene: KCNH2 (potassium voltage-gated channel subfamily H member 2; minus strand). Cytogenetic location: 7q36.1.
Variant type: single nucleotide variant.
Coding change: c.758C>G on transcript NM_000238.4 (MANE Select); coding-DNA position 758, C replaced by G.
Protein change: p.Ala253Gly; replaces alanine 253 with glycine.
Molecular consequence: missense variant.
Genome position (GRCh38, 1-based): chr7:150,958,217, G>C on the plus strand (C>G on the coding strand, the complement: KCNH2 is on the minus strand). VCF-style: chr7-150958217-G-C. GRCh37 (hg19) VCF-style: chr7-150655305-G-C.
Other names: p.A253G:GCG>GGG; c.470C>G, p.Ala157Gly (NM_001406753.1, NM_001406756.1); c.581C>G, p.Ala194Gly (NM_001406755.1); c.458C>G, p.Ala153Gly (NM_001406757.1); c.758C>G, p.Ala253Gly (NM_172056.3); short protein forms A253G, A153G, A194G, A157G.
Identifiers: ClinVar variation 200723 (VCV000200723.4), dbSNP rs794728479, ClinGen allele CA008771.

ClinVar aggregate classification (germline): Uncertain significance (1 of 4 stars; one submission).

Submission:

GeneDx
Classification: Uncertain significance. Last evaluated: 2014-10-27. Review status: criteria provided, single submitter. Criteria: GeneDx Variant Classification (06012015). Collection method: clinical testing. Allele origin: germline. Affected: yes.
Comment: p.Ala253Gly (GCG>GGG): c.758 C>G in exon 4 of the KCNH2 gene (NM_000238.2). The A253G variant has not been published as a mutation, nor has it been reported as a benign polymorphism to our knowledge. Data from control individuals were not available to assess whether A253G may be a common benign variant in the general population. The A253G variant is a conservative amino acid substitution, which is not likely to impact secondary protein structure as these residues share similar properties. This substitution occurs at a position that is not conserved across species and in silico analysis predicts this variant likely does not alter the protein structure/function. Nevertheless, missense mutations in nearby residues (R242G, P251S, R252G, D259N) have been reported in association with LQTS, supporting the functional importance of this region of the protein. Therefore, based on the currently available information, it is unclear whether this variant is a pathogenic mutation or a rare benign variant.The variant is found in LQT panel(s).